The following is an entry in ClinVar:

ClinVar aggregate classification (germline): Uncertain significance. Review status: criteria provided, multiple submitters, no conflicts (2 of 4 stars). 3 submissions from 3 submitters: Uncertain significance (2). 1 of the submissions does not count toward it. Last evaluated 2025-02-26.

Conditions:
Developmental and epileptic encephalopathy, 1 (DEE1). Also called: X-linked infantile spasms; West's syndrome; Tonic spasms with clustering, arrest of psychomotor development and hypsarrhythmia on EEG; X-Linked Infantile Spasm Syndrome; OHTAHARA SYNDROME, X-LINKED; INFANTILE SPASM SYNDROME, X-LINKED 1. Identifiers: MedGen C3463992, MONDO:0010632, OMIM 308350. Disease mechanism: loss of function.
Autosomal dominant nonsyndromic hearing loss 65. Also called: TBC1D24-Related Autosomal Dominant Nonsyndromic Hearing Loss (DFNA); Deafness, autosomal dominant 65. Identifiers: Orphanet 90635, MedGen C3892048, MONDO:0014470, OMIM 616044.
TBC1D24-related disorder. Also called: TBC1D24-related condition; TBC1D24-related disorders. Identifiers: MedGen CN381194.

Allele frequency attached by ClinVar (database versions not stated): TOPMed 0.00003; gnomAD 0.00003.
gnomAD v4.1: 54 of 1,611,300 alleles (0.0034%); highest among the groups gnomAD compares: African/African-American, 0.0053%; 1 homozygote.

Submissions (3):

Labcorp Genetics (formerly Invitae), Labcorp
Classification: Uncertain significance for Developmental and epileptic encephalopathy, 1; Autosomal dominant nonsyndromic hearing loss 65. Last evaluated: 2025-02-26. Review status: criteria provided, single submitter. Criteria: Invitae Variant Classification Sherloc (09022015). Collection method: clinical testing. Allele origin: germline.
Comment: This sequence change replaces arginine, which is basic and polar, with cysteine, which is neutral and slightly polar, at codon 109 of the TBC1D24 protein (p.Arg109Cys). This variant is present in population databases (rs372337277, gnomAD 0.005%). This variant has not been reported in the literature in individuals affected with TBC1D24-related conditions. ClinVar contains an entry for this variant (Variation ID: 800780). Invitae Evidence Modeling of protein sequence and biophysical properties (such as structural, functional, and spatial information, amino acid conservation, physicochemical variation, residue mobility, and thermodynamic stability) indicates that this missense variant is not expected to disrupt TBC1D24 protein function with a negative predictive value of 80%. In summary, the available evidence is currently insufficient to determine the role of this variant in disease. Therefore, it has been classified as a Variant of Uncertain Significance.

PreventionGenetics, part of Exact Sciences
Classification: Uncertain significance for TBC1D24-related condition. Last evaluated: 2023-09-15. Review status: criteria provided, single submitter. Criteria: ACMG Guidelines, 2015. Collection method: clinical testing. Allele origin: germline.
Comment: The TBC1D24 c.325C>T variant is predicted to result in the amino acid substitution p.Arg109Cys. To our knowledge, this variant has not been reported in the literature. This variant is reported in 0.0047% of alleles in individuals of European (Non-Finnish) descent in gnomAD. At this time, the clinical significance of this variant is uncertain due to the absence of conclusive functional and genetic evidence.

Biochemical Molecular Genetic Laboratory, King Abdulaziz Medical City
Classification: Uncertain significance for Autosomal dominant nonsyndromic hearing loss 65. Last evaluated: 2019-01-29. Review status: no assertion criteria provided. Collection method: clinical testing. Allele origin: germline. Affected: yes. Not counted in ClinVar's aggregate classification.

NM_001199107.2(TBC1D24):c.325C>T (p.Arg109Cys)

Gene: TBC1D24 (TBC1 domain family member 24; plus strand). Cytogenetic location: 16p13.3.
Variant type: single nucleotide variant.
Coding change: c.325C>T on transcript NM_001199107.2 (MANE Select); coding-DNA position 325, C replaced by T.
Protein change: p.Arg109Cys; replaces arginine 109 with cysteine.
Molecular consequence: missense variant.
Genome position (GRCh38, 1-based): chr16:2,496,473, C>T. VCF-style: chr16-2496473-C-T. GRCh37 (hg19) VCF-style: chr16-2546474-C-T.
Other names: c.325C>T, p.Arg109Cys (NM_020705.3); short protein forms R109C.
Identifiers: ClinVar variation 800780 (VCV000800780.9), dbSNP rs372337277, ClinGen allele CA7843973.